The following is an entry in ClinVar:

NM_012472.6(DNAAF11):c.914+3A>G

Gene: DNAAF11 (dynein axonemal assembly factor 11; minus strand). Cytogenetic location: 8q24.22.
Variant type: single nucleotide variant.
Coding change: c.914+3A>G on transcript NM_012472.6 (MANE Select); 3 bases into the intron after coding-DNA position 914, A replaced by G.
Molecular consequence: intron variant.
Genome position (GRCh38, 1-based): chr8:132,622,608, T>C on the plus strand (A>G on the coding strand, the complement: DNAAF11 is on the minus strand). VCF-style: chr8-132622608-T-C. GRCh37 (hg19) VCF-style: chr8-133634854-T-C.
Other names: c.668+3A>G (NM_001321962.2); c.914+3A>G (NM_001321961.2); c.554+3A>G (NM_001321966.2, NM_001321963.2, NM_001321964.2 and 1 more transcripts).
Identifiers: ClinVar variation 653492 (VCV000653492.4), dbSNP rs764900666, ClinGen allele CA4881280.

ClinVar aggregate classification (germline): Uncertain significance (1 of 4 stars; one submission).

Conditions:
Primary ciliary dyskinesia 19. Also called: CILIARY DYSKINESIA, PRIMARY, 19, WITH OR WITHOUT SITUS INVERSUS. Identifiers: Orphanet 244, MedGen C3543826, MONDO:0013979, OMIM 614935.

Allele frequency attached by ClinVar (database versions not stated): ExAC 0.00001; gnomAD exomes 0.00001.
gnomAD v4.1: 9 of 1,612,486 alleles (0.00056%); highest among the groups gnomAD compares: Non-Finnish European, 0.00076%; no homozygotes.

Submission:

Labcorp Genetics (formerly Invitae), Labcorp
Classification: Uncertain significance for Primary ciliary dyskinesia 19. Last evaluated: 2018-07-25. Review status: criteria provided, single submitter. Criteria: Invitae Variant Classification Sherloc (09022015). Collection method: clinical testing. Allele origin: germline.
Comment: This sequence change falls in intron 7 of the LRRC6 gene. It does not directly change the encoded amino acid sequence of the LRRC6 protein, but it affects a nucleotide within the consensus splice site of the intron. This variant is present in population databases (rs764900666, ExAC 0.001%). This variant has not been reported in the literature in individuals with LRRC6-related disease. Nucleotide substitutions within the consensus splice site are a relatively common cause of aberrant splicing (PMID: 17576681, 9536098). Algorithms developed to predict the effect of sequence changes on RNA splicing suggest that this variant may disrupt the consensus splice site, but this prediction has not been confirmed by published transcriptional studies. In summary, the available evidence is currently insufficient to determine the role of this variant in disease. Therefore, it has been classified as a Variant of Uncertain Significance.

Literature cited by the submitters: PubMed 17576681; PubMed 9536098.